The following is an entry in ClinVar:

ClinVar aggregate classification (germline): Likely benign (1 of 4 stars; one submission).

Submission:

GeneDx
Classification: Likely benign. Last evaluated: 2016-11-18. Review status: criteria provided, single submitter. Criteria: GeneDx Variant Classification (06012015). Collection method: clinical testing. Allele origin: germline. Affected: yes.
Comment: This variant is considered likely benign or benign based on one or more of the following criteria: it is a conservative change, it occurs at a poorly conserved position in the protein, it is predicted to be benign by multiple in silico algorithms, and/or has population frequency not consistent with disease.

NM_003321.5(TUFM):c.817+16G>C

Gene: TUFM (Tu translation elongation factor, mitochondrial; minus strand). Cytogenetic location: 16p11.2.
Variant type: single nucleotide variant.
Coding change: c.817+16G>C on transcript NM_003321.5 (MANE Select); 16 bases into the intron after coding-DNA position 817, G replaced by C.
Molecular consequence: intron variant.
Genome position (GRCh38, 1-based): chr16:28,844,403, C>G on the plus strand (G>C on the coding strand, the complement: TUFM is on the minus strand). VCF-style: chr16-28844403-C-G. GRCh37 (hg19) VCF-style: chr16-28855724-C-G.
Other names: c.817+16G>C (NM_001365360.2).
Identifiers: ClinVar variation 390896 (VCV000390896.1), dbSNP rs1057523915, ClinGen allele CA16607377.
Genomic context (GRCh38, chr16:28,844,403, plus strand): 5'-GAATAAGACAGGATATCAGGGACCCCGAGCTAGGCTTCTGCTAGAGAGAGTGCGTGGGAA[C>G]AGACAGAGTCCTCACCAGGGACGGAGTACACCGCCTCCACAGGCAGCAGGAAAGGCTTCT-3'